The following is an entry in ClinVar:

ClinVar aggregate classification (germline): Affects (0 of 4 stars; one submission).

Conditions:
ABO blood group system. Also called: ABO BLOOD GROUP SYSTEM, O PHENOTYPE; ABO BLOOD GROUP SYSTEM, A/B POLYMORPHISM; ABO BLOOD GROUP SYSTEM, A2 PHENOTYPE; ABO BLOOD GROUP SYSTEM, CIS-AB PHENOTYPE; ABO BLOOD GROUP SYSTEM, B(A) PHENOTYPE. Identifiers: MedGen C0000778, OMIM 616093, HP:0032224.

Submission:

Australian Red Cross Blood Service
Classification: Affects for ABO blood group system. Last evaluated: 2021-07-01. Review status: no assertion criteria provided. Collection method: research. Allele origin: inherited. Inheritance: Codominant.
Comment: Three of these four variants (c.260_261insG, c.467C>T and c.1061delC) define the ABO*A2.01 allele however we found an additional variant (c.989T>C) present in this sample. Due to proximity of c.989T>C and c.1061delC we can confirm from viewing of the sequence read mapping that c.989T>C travels in cis with c.1061delC. Observed serology showed extremely weak expression of the A antigen. ABO*A subgroup.

NM_020469.3(ABO):c.[1061del;467C>T989T>C]

Variant type: Haplotype.
Identifiers: ClinVar variation 1185562 (VCV001185562.3).